The following is an entry in ClinVar:

NM_000501.4(ELN):c.427+9G>A

Gene: ELN (elastin; plus strand). Cytogenetic location: 7q11.23.
Variant type: single nucleotide variant.
Coding change: c.427+9G>A on transcript NM_000501.4 (MANE Select); 9 bases into the intron after coding-DNA position 427, G replaced by A.
Molecular consequence: intron variant.
Genome position (GRCh38, 1-based): chr7:74,043,177, G>A. VCF-style: chr7-74043177-G-A. GRCh37 (hg19) VCF-style: chr7-73457507-G-A.
Other names: c.427+9G>A (NM_000501.3, NM_001278939.2, NM_001278915.2 and 3 more transcripts); c.442+9G>A (NM_001081754.3, NM_001081753.3); c.391+9G>A (NM_001278913.2); c.412+9G>A (NM_001278914.2); c.397+9G>A (NM_001278917.2, NM_001081752.3, NM_001278918.2).
Identifiers: ClinVar variation 666688 (VCV000666688.14), dbSNP rs370752724, ClinGen allele CA4292479.
Genomic context (GRCh38, chr7:74,043,177, plus strand): 5'-GGTGCGGTGGTTCCTCAGCCTGGAGCCGGAGTGAAGCCTGGGAAAGTGCCGGGTCAGTGC[G>A]GAATCCCTGGGGCTGGAGGACAGAGGGCAGGGAGGGGCAGAGGGCAGGGAGGAACAGAGC-3'

ClinVar aggregate classification (germline): Benign/Likely benign. Review status: criteria provided, multiple submitters, no conflicts (2 of 4 stars). 3 submissions from 3 submitters: Benign (1); Likely benign (1). 1 of the submissions does not count toward it. Last evaluated 2025-12-08.

Conditions:
ELN-related disorder.
Supravalvar aortic stenosis (SVAS). Also called: Supravalvar aortic stenosis, Eisenberg type. Identifiers: Orphanet 3193, MedGen C0003499, MONDO:0008504, OMIM 185500, HP:0004381.

Allele frequency attached by ClinVar (database versions not stated): gnomAD exomes 0.00007 and 0.00018; ExAC 0.00015; ESP Exome Variant Server 0.00015; gnomAD 0.00019; TOPMed 0.00020.
gnomAD v4.1: 135 of 1,582,818 alleles (0.0085%); highest among the groups gnomAD compares: Admixed American, 0.057%; no homozygotes.

Submissions (3):

Labcorp Genetics (formerly Invitae), Labcorp
Classification: Benign for Supravalvar aortic stenosis. Last evaluated: 2025-12-08. Review status: criteria provided, single submitter. Criteria: Invitae Variant Classification Sherloc (09022015). Collection method: clinical testing. Allele origin: germline.

Laboratory for Molecular Medicine, Mass General Brigham Personalized Medicine
Classification: Likely benign. Last evaluated: 2013-02-21. Review status: criteria provided, single submitter. Criteria: LMM Criteria. Collection method: clinical testing. Allele origin: germline. Observed: 1 variant allele.
Comment: 442+9G>A in intron 8 of ELN: This variant is not expected to have clinical signi ficance because it is not located within the conserved splice consensus sequence . It has been identified in 2/4398 African American chromosomes from a broad pop ulation by the NHLBI Exome Sequencing Project .

PreventionGenetics, part of Exact Sciences
Classification: Likely benign for ELN-related condition. Last evaluated: 2022-01-04. Review status: no assertion criteria provided. Collection method: clinical testing. Allele origin: germline. Not counted in ClinVar's aggregate classification.
Comment: This variant is classified as likely benign based on ACMG/AMP sequence variant interpretation guidelines (Richards et al. 2015 PMID: 25741868, with internal and published modifications).